The following is an entry in ClinVar:

ClinVar aggregate classification (germline): Uncertain significance. Review status: criteria provided, multiple submitters, no conflicts (2 of 4 stars). 2 submissions from 2 submitters: Uncertain significance (2). Last evaluated 2025-12-04.

Conditions:
Inborn genetic diseases. Identifiers: MedGen C0950123, MeSH D030342.
Leigh syndrome (NULS). Also called: Subacute necrotizing encephalopathy; Necrotizing encephalopathy infantile subacute of Leigh; LEIGH SYNDROME, NUCLEAR; Leigh Disease; Leigh Syndrome (mtDNA deletion); Leigh's necrotizing encephalopathy. Identifiers: Orphanet 506, MedGen C2931891, MONDO:0009723, OMIM 256000.

Allele frequency attached by ClinVar (database versions not stated): TOPMed 0.00003; gnomAD exomes 0.00006; 1000 Genomes Project 30x 0.00016.

Submissions (2):

Ambry Genetics
Classification: Uncertain significance for Inborn genetic diseases. Last evaluated: 2025-12-04. Review status: criteria provided, single submitter. Criteria: Ambry Variant Classification Scheme 2023. Collection method: clinical testing. Allele origin: germline.
Comment: The c.482A>G (p.Y161C) alteration is located in exon 5 (coding exon 5) of the SURF1 gene. This alteration results from a A to G substitution at nucleotide position 482, causing the tyrosine (Y) at amino acid position 161 to be replaced by a cysteine (C). Based on data from gnomAD, the G allele has an overall frequency of 0.017% (48/282332) total alleles studied. The highest observed frequency was 0.112% (28/25120) of European (Finnish) alleles. Based on insufficient or conflicting evidence, the clinical significance of this alteration remains unclear.

Labcorp Genetics (formerly Invitae), Labcorp
Classification: Uncertain significance for Leigh syndrome. Last evaluated: 2022-04-11. Review status: criteria provided, single submitter. Criteria: Invitae Variant Classification Sherloc (09022015). Collection method: clinical testing. Allele origin: germline.
Comment: This sequence change replaces tyrosine, which is neutral and polar, with cysteine, which is neutral and slightly polar, at codon 161 of the SURF1 protein (p.Tyr161Cys). This variant is present in population databases (rs200358116, gnomAD 0.1%). This variant has not been reported in the literature in individuals affected with SURF1-related conditions. Algorithms developed to predict the effect of missense changes on protein structure and function (SIFT, PolyPhen-2, Align-GVGD) all suggest that this variant is likely to be tolerated. In summary, the available evidence is currently insufficient to determine the role of this variant in disease. Therefore, it has been classified as a Variant of Uncertain Significance.

NM_003172.4(SURF1):c.482A>G (p.Tyr161Cys)

Gene: SURF1 (SURF1 cytochrome c oxidase assembly factor; minus strand). Cytogenetic location: 9q34.2.
Variant type: single nucleotide variant.
Coding change: c.482A>G on transcript NM_003172.4 (MANE Select); coding-DNA position 482, A replaced by G.
Protein change: p.Tyr161Cys; replaces tyrosine 161 with cysteine.
Molecular consequence: missense variant.
Genome position (GRCh38, 1-based): chr9:133,353,782, T>C on the plus strand (A>G on the coding strand, the complement: SURF1 is on the minus strand). VCF-style: chr9-133353782-T-C. GRCh37 (hg19) VCF-style: chr9-136220637-T-C.
Other names: c.155A>G, p.Tyr52Cys (NM_001280787.1); c.482A>G (NM_003172.2); short protein forms Y52C, Y161C.
Identifiers: ClinVar variation 2180061 (VCV002180061.2), dbSNP rs200358116, ClinGen allele CA200832976.